The following is an entry in ClinVar:

ClinVar aggregate classification (germline): Uncertain significance (1 of 4 stars; one submission).

Submission:

GeneDx
Classification: Uncertain significance. Last evaluated: 2023-12-16. Review status: criteria provided, single submitter. Criteria: GeneDx Variant Classification Process June 2021. Collection method: clinical testing. Allele origin: germline. Affected: yes.
Comment: Not observed at significant frequency in large population cohorts (gnomAD); Stop codon loss and change to a glutamic acid codon, leading to protein extension and the addition of 102 amino acids at the C-terminus; Has not been previously published as pathogenic or benign to our knowledge

NM_012452.3(TNFRSF13B):c.880T>C (p.Ter294Gln)

Gene: TNFRSF13B (TNF receptor superfamily member 13B; minus strand). Cytogenetic location: 17p11.2.
Variant type: single nucleotide variant.
Coding change: c.880T>C on transcript NM_012452.3 (MANE Select); coding-DNA position 880, T replaced by C.
Protein change: p.Ter294Gln.
Molecular consequence: stop lost.
Genome position (GRCh38, 1-based): chr17:16,939,549, A>G on the plus strand (T>C on the coding strand, the complement: TNFRSF13B is on the minus strand). VCF-style: chr17-16939549-A-G. GRCh37 (hg19) VCF-style: chr17-16842863-A-G.
Identifiers: ClinVar variation 3365933 (VCV003365933.1).
Genomic context (GRCh38, chr17:16,939,549, plus strand): 5'-TTTCTCTCTCCCCTCCTCTCCATCTCTCTCCCTCCTCCTTTCCCTCCCTGACCCCCATTT[A>G]TGCACCTGGGCCCCCCTCCTGGGCAGGCACACACACAATGCCAAGGCCACTGTCTGGGAT-3'